The following is an entry in ClinVar:

NM_002281.4(KRT81):c.949C>T (p.Arg317Cys)

Genes: KRT81 (keratin 81; minus strand), KRT86 (keratin 86; plus strand). Cytogenetic location: 12q13.13.
Variant type: single nucleotide variant.
Coding change: c.949C>T on transcript NM_002281.4 (MANE Select); coding-DNA position 949, C replaced by T.
Protein change: p.Arg317Cys; replaces arginine 317 with cysteine.
Molecular consequence: missense variant. On other transcripts: intron variant (1).
Genome position (GRCh38, 1-based): chr12:52,287,673, G>A on the plus strand (C>T on the coding strand, the complement: KRT81 is on the minus strand). VCF-style: chr12-52287673-G-A. GRCh37 (hg19) VCF-style: chr12-52681457-G-A.
Other names: c.-5+11727G>A (NM_001320198.2); short protein forms R317C.
Identifiers: ClinVar variation 2580774 (VCV002580774.1), dbSNP rs758771600, ClinGen allele CA6576455.

ClinVar aggregate classification (germline): Uncertain significance (1 of 4 stars; one submission).

Allele frequency attached by ClinVar (database versions not stated): ExAC 0.00001; gnomAD 0.00001; gnomAD exomes 0.00001; TOPMed 0.00001.
gnomAD v4.1: 20 of 1,613,748 alleles (0.0012%); highest among the groups gnomAD compares: Admixed American, 0.005%; no homozygotes.

Submission:

GeneDx
Classification: Uncertain significance. Last evaluated: 2023-08-29. Review status: criteria provided, single submitter. Criteria: GeneDx Variant Classification Process June 2021. Collection method: clinical testing. Allele origin: germline. Affected: yes.
Comment: In silico analysis supports that this missense variant has a deleterious effect on protein structure/function; Has not been previously published as pathogenic or benign to our knowledge